The following is an entry in ClinVar:

NM_001198533.2(OXR1):c.2600T>C (p.Ile867Thr)

Gene: OXR1 (oxidation resistance 1; plus strand). Cytogenetic location: 8q23.1.
Variant type: single nucleotide variant.
Coding change: c.2600T>C on transcript NM_001198533.2 (MANE Select); coding-DNA position 2600, T replaced by C.
Protein change: p.Ile867Thr; replaces isoleucine 867 with threonine.
Molecular consequence: missense variant.
Genome position (GRCh38, 1-based): chr8:106,750,919, T>C. VCF-style: chr8-106750919-T-C. GRCh37 (hg19) VCF-style: chr8-107763147-T-C.
Other names: c.2603T>C, p.Ile868Thr (NM_001198532.1); c.710T>C, p.Ile237Thr (NM_001198534.1); c.629T>C, p.Ile210Thr (NM_001198535.1); c.2519T>C, p.Ile840Thr (NM_018002.3); c.2498T>C, p.Ile833Thr (NM_181354.4); short protein forms I210T, I840T, I868T, I237T, I833T, I867T.
Identifiers: ClinVar variation 4830180 (VCV004830180.1).

ClinVar aggregate classification (germline): Uncertain significance (1 of 4 stars; one submission).

Conditions:
Inborn genetic diseases. Identifiers: MedGen C0950123, MeSH D030342.

gnomAD v4.1: 26 of 1,604,276 alleles (0.0016%); highest among the groups gnomAD compares: Middle Eastern, 0.021%; no homozygotes.

Submission:

Ambry Genetics
Classification: Uncertain significance for Inborn genetic diseases. Last evaluated: 2026-02-17. Review status: criteria provided, single submitter. Criteria: Ambry Variant Classification Scheme 2023. Collection method: clinical testing. Allele origin: germline.
Comment: The c.2603T>C (p.I868T) alteration is located in exon 16 (coding exon 16) of the OXR1 gene. This alteration results from a T to C substitution at nucleotide position 2603, causing the isoleucine (I) at amino acid position 868 to be replaced by a threonine (T). Based on data from gnomAD, the C allele has an overall frequency of 0.001% (2/243052) total alleles studied. The highest observed frequency was 0.007% (2/28186) of South Asian alleles. Based on insufficient or conflicting evidence, the clinical significance of this alteration remains unclear.